The following is an entry in ClinVar:

NM_000051.4(ATM):c.7427G>C (p.Ser2476Thr)

Genes: ATM (ATM serine/threonine kinase; plus strand), C11orf65 (chromosome 11 open reading frame 65; minus strand). Cytogenetic location: 11q22.3.
Variant type: single nucleotide variant.
Coding change: c.7427G>C on transcript NM_000051.4 (MANE Select); coding-DNA position 7427, G replaced by C.
Protein change: p.Ser2476Thr; replaces serine 2476 with threonine.
Molecular consequence: missense variant. On other transcripts: intron variant (2).
Genome position (GRCh38, 1-based): chr11:108,330,333, G>C. VCF-style: chr11-108330333-G-C. GRCh37 (hg19) VCF-style: chr11-108201060-G-C.
Other names: c.7427G>C, p.Ser2476Thr (NM_001351834.2); c.641-21262C>G (NM_001330368.2); c.*38+4887C>G (NM_001351110.2); short protein forms S2476T.
Identifiers: ClinVar variation 3222890 (VCV003222890.2), dbSNP rs1591160841, ClinGen allele CA382560230.
Genomic context (GRCh38, chr11:108,330,333, plus strand): 5'-AAGAGGATCGTAAACGCTTCTTATGTAAAGCAGTTGAAAATTATATCAACTGCTTATTAA[G>C]TGGAGAAGAACATGATATGTGGGTATTCCGACTTTGTTCCCTCTGGCTTGAAAATTCTGG-3'
Protein context (NP_000042.3, residues 2466-2486): AVENYINCLL[Ser2476Thr]GEEHDMWVFR

ClinVar aggregate classification (germline): Uncertain significance. Review status: criteria provided, multiple submitters, no conflicts (2 of 4 stars). 2 submissions from 2 submitters: Uncertain significance (2). Last evaluated 2026-03-08.

Conditions:
Hereditary cancer-predisposing syndrome. Also called: Tumor predisposition; Hereditary Cancer Syndrome; Hereditary neoplastic syndrome; Neoplastic Syndromes, Hereditary. Identifiers: Orphanet 140162, MedGen C0027672, MeSH D009386, MONDO:0015356.

Submissions (2):

Women's Health and Genetics/Laboratory Corporation of America, LabCorp
Classification: Uncertain significance. Last evaluated: 2026-03-08. Review status: criteria provided, single submitter. Criteria: LabCorp Variant Classification Summary - May 2015. Collection method: clinical testing. Allele origin: germline.

Ambry Genetics
Classification: Uncertain significance for Hereditary cancer-predisposing syndrome. Last evaluated: 2024-02-06. Review status: criteria provided, single submitter. Criteria: Ambry Variant Classification Scheme 2023. Collection method: clinical testing. Allele origin: germline.
Comment: The p.S2476T variant (also known as c.7427G>C), located in coding exon 49 of the ATM gene, results from a G to C substitution at nucleotide position 7427. The serine at codon 2476 is replaced by threonine, an amino acid with similar properties. This amino acid position is conserved. In addition, this alteration is predicted to be tolerated by in silico analysis. Based on the available evidence, the clinical significance of this alteration remains unclear.